The following is an entry in ClinVar:

ClinVar aggregate classification (germline): Uncertain significance (1 of 4 stars; one submission).

Conditions:
DICER1-related tumor predisposition. Also called: DICER1-related pleuropulmonary blastoma cancer predisposition syndrome; DICER1 syndrome. Identifiers: Orphanet 284343, MedGen C3839822, MONDO:0100216.

Submission:

Labcorp Genetics (formerly Invitae), Labcorp
Classification: Uncertain significance for DICER1-related tumor predisposition. Last evaluated: 2025-11-03. Review status: criteria provided, single submitter. Criteria: Invitae Variant Classification Sherloc (09022015). Collection method: clinical testing. Allele origin: germline.
Comment: This sequence change replaces threonine, which is neutral and polar, with isoleucine, which is neutral and non-polar, at codon 1597 of the DICER1 protein (p.Thr1597Ile). This variant is not present in population databases (gnomAD no frequency). This variant has not been reported in the literature in individuals affected with DICER1-related conditions. Invitae Evidence Modeling of protein sequence and biophysical properties (such as structural, functional, and spatial information, amino acid conservation, physicochemical variation, residue mobility, and thermodynamic stability) indicates that this missense variant is not expected to disrupt DICER1 protein function with a negative predictive value of 95%. In summary, the available evidence is currently insufficient to determine the role of this variant in disease. Therefore, it has been classified as a Variant of Uncertain Significance.

NM_177438.3(DICER1):c.4790C>T (p.Thr1597Ile)

Gene: DICER1 (dicer 1, ribonuclease III; minus strand). Cytogenetic location: 14q32.13.
Variant type: single nucleotide variant.
Coding change: c.4790C>T on transcript NM_177438.3 (MANE Select); coding-DNA position 4790, C replaced by T.
Protein change: p.Thr1597Ile; replaces threonine 1597 with isoleucine.
Molecular consequence: missense variant. On other transcripts: non-coding transcript variant (6).
Genome position (GRCh38, 1-based): chr14:95,096,130, G>A on the plus strand (C>T on the coding strand, the complement: DICER1 is on the minus strand). VCF-style: chr14-95096130-G-A. GRCh37 (hg19) VCF-style: chr14-95562467-G-A.
Other names: c.4790C>T, p.Thr1597Ile (NM_001195573.1, NM_001271282.3, NM_001291628.2 and 12 more transcripts); c.4508C>T, p.Thr1503Ile (NM_001395686.1); c.4385C>T, p.Thr1462Ile (NM_001395687.1, NM_001395688.1, NM_001395689.1 and 2 more transcripts); c.4223C>T, p.Thr1408Ile (NM_001395691.1); c.3107C>T, p.Thr1036Ile (NM_001395697.1); short protein forms T1036I, T1408I, T1462I, T1503I, T1597I.
Identifiers: ClinVar variation 4798024 (VCV004798024.1).